The following is an entry in ClinVar:

ClinVar aggregate classification (germline): Uncertain significance (1 of 4 stars; one submission).

gnomAD v4.1: 8 of 1,470,902 alleles (0.00054%); highest among the groups gnomAD compares: Admixed American, 0.0044%; no homozygotes.

Submission:

CeGaT Center for Human Genetics Tuebingen
Classification: Uncertain significance. Last evaluated: 2026-04-01. Review status: criteria provided, single submitter. Criteria: CeGaT Center For Human Genetics Tuebingen Variant Classification Criteria Version 2. Collection method: clinical testing. Allele origin: germline. Affected: yes. Observed: 1 variant allele.
Comment: CTNND1: PM2

NM_001085458.2(CTNND1):c.944G>A (p.Arg315His)

Genes: CTNND1 (catenin delta 1; plus strand), TMX2-CTNND1 (TMX2-CTNND1 readthrough (NMD candidate); plus strand). Cytogenetic location: 11q12.1.
Variant type: single nucleotide variant.
Coding change: c.944G>A on transcript NM_001085458.2 (MANE Select); coding-DNA position 944, G replaced by A.
Protein change: p.Arg315His; replaces arginine 315 with histidine.
Molecular consequence: missense variant. On other transcripts: non-coding transcript variant (1).
Genome position (GRCh38, 1-based): chr11:57,796,980, G>A. VCF-style: chr11-57796980-G-A. GRCh37 (hg19) VCF-style: chr11-57564452-G-A.
Other names: c.944G>A, p.Arg315His (NM_001085459.2, NM_001085460.2, NM_001085461.2 and 3 more transcripts); c.641G>A, p.Arg214His (NM_001085463.2, NM_001085464.2, NM_001085465.2 and 5 more transcripts); c.782G>A, p.Arg261His (NM_001206883.2, NM_001206884.2, NM_001206886.2 and 4 more transcripts); short protein forms R214H, R261H, R315H.
Identifiers: ClinVar variation 4874366 (VCV004874366.2).
Genomic context (GRCh38, chr11:57,796,980, plus strand): 5'-ATTATGGTATGATGTCTGATTATGGCACTGCCCGTCGGACTGGGACACCCTCTGACCCTC[G>A]TCGGCGCCTCAGGTAGGCAAGAATAGGGGAAGAGAAAAGGGTCTTTCCAAGACCAGGGAC-3'
Protein context (NP_001078927.1, residues 305-325): ARRTGTPSDP[Arg315His]RRLRSYEDMI